The following is an entry in ClinVar:

ClinVar aggregate classification (germline): Uncertain significance. Review status: criteria provided, multiple submitters, no conflicts (2 of 4 stars). 2 submissions from 2 submitters: Uncertain significance (2). Last evaluated 2019-10-21.

Conditions:
Catecholaminergic polymorphic ventricular tachycardia 1. Also called: VENTRICULAR TACHYCARDIA, CATECHOLAMINERGIC POLYMORPHIC, 1, WITH OR WITHOUT ATRIAL DYSFUNCTION AND/OR DILATED CARDIOMYOPATHY; VENTRICULAR TACHYCARDIA, STRESS-INDUCED POLYMORPHIC 1; RYR2-Related Catecholaminergic Polymorphic Ventricular Tachycardia. Identifiers: Orphanet 3286, MedGen C1631597, MONDO:0011484, OMIM 604772.

Submissions (2):

GeneDx
Classification: Uncertain significance. Last evaluated: 2019-10-21. Review status: criteria provided, single submitter. Criteria: GeneDx Variant Classification Process June 2021. Collection method: clinical testing. Allele origin: germline. Affected: yes.
Comment: Has not been previously published as pathogenic or benign to our knowledge; Not observed in large population cohorts (Lek et al., 2016); In-frame deletion of one amino acid in a non-repeat region; In silico analysis, which includes protein predictors and evolutionary conservation, supports a deleterious effect; This variant is associated with the following publications: (PMID: 30847666)

Labcorp Genetics (formerly Invitae), Labcorp
Classification: Uncertain significance for Catecholaminergic polymorphic ventricular tachycardia 1. Last evaluated: 2019-05-21. Review status: criteria provided, single submitter. Criteria: Invitae Variant Classification Sherloc (09022015). Collection method: clinical testing. Allele origin: germline.
Comment: In summary, the available evidence is currently insufficient to determine the role of this variant in disease. Therefore, it has been classified as a Variant of Uncertain Significance. Experimental studies and prediction algorithms are not available for this variant, and the functional significance of the affected amino acid(s) is currently unknown. This variant has not been reported in the literature in individuals with RYR2-related conditions. This variant is not present in population databases (ExAC no frequency). This variant, c.7454_7456del, results in the deletion of 1 amino acid(s) of the RYR2 protein (p.Leu2485del), but otherwise preserves the integrity of the reading frame.

NM_001035.3(RYR2):c.7448TCC[2] (p.Leu2485del)

Gene: RYR2 (ryanodine receptor 2; plus strand). Cytogenetic location: 1q43.
Variant type: Microsatellite.
Coding change: c.7448TCC[2] on transcript NM_001035.3 (MANE Select); two copies in a row of the 3-base unit TCC starting at c.7448; the reference has three copies in a row; one copy, 3 bases deleted.
Protein change: p.Leu2485del; deletes leucine 2485.
Molecular consequence: inframe deletion.
Genome position (GRCh38, 1-based): chr1:237,648,555-237,648,557, TCC deleted; deleting any 3 consecutive bases within chr1:237,648,549-237,648,557 gives the same sequence; the position shown is the placement nearest the transcript's 3' end. VCF-style (leftmost placement, unchanged base first): chr1-237648548-TTCC-T. GRCh37 (hg19) VCF-style: chr1-237811848-TTCC-T.
Other names: short protein forms L2485del.
Identifiers: ClinVar variation 848894 (VCV000848894.13), dbSNP rs1682402356, ClinGen allele CA916082159.